The following is an entry in ClinVar:

ClinVar aggregate classification (germline): Uncertain significance. Review status: criteria provided, multiple submitters, no conflicts (2 of 4 stars). 4 submissions from 4 submitters: Uncertain significance (4). Last evaluated 2025-11-27.

Conditions:
Hereditary cancer-predisposing syndrome. Also called: Neoplastic Syndromes, Hereditary; Tumor predisposition; Hereditary neoplastic syndrome; Hereditary Cancer Syndrome. Identifiers: Orphanet 140162, MedGen C0027672, MeSH D009386, MONDO:0015356.
Familial adenomatous polyposis 1 (FAP1). Also called: FAMILIAL ADENOMATOUS POLYPOSIS 1, ATTENUATED; POLYPOSIS, ADENOMATOUS INTESTINAL. Identifiers: MedGen C2713442, MONDO:0021056, OMIM 175100. Disease mechanism: loss of function.

Allele frequency attached by ClinVar (database versions not stated): gnomAD exomes below 0.00001 and 0.00001; TOPMed below 0.00001; ExAC 0.00001; gnomAD 0.00001.
gnomAD v4.1: 6 of 1,613,766 alleles (0.00037%); highest among the groups gnomAD compares: Middle Eastern, 0.016%; no homozygotes.

Submissions (4):

Labcorp Genetics (formerly Invitae), Labcorp
Classification: Uncertain significance for Familial adenomatous polyposis 1. Last evaluated: 2025-11-27. Review status: criteria provided, single submitter. Criteria: Invitae Variant Classification Sherloc (09022015). Collection method: clinical testing. Allele origin: germline.
Comment: This sequence change replaces isoleucine, which is neutral and non-polar, with valine, which is neutral and non-polar, at codon 1259 of the APC protein (p.Ile1259Val). This variant is present in population databases (rs762391822, gnomAD 0.003%). This variant has not been reported in the literature in individuals affected with APC-related conditions. ClinVar contains an entry for this variant (Variation ID: 566465). Invitae Evidence Modeling of protein sequence and biophysical properties (such as structural, functional, and spatial information, amino acid conservation, physicochemical variation, residue mobility, and thermodynamic stability) indicates that this missense variant is not expected to disrupt APC protein function with a negative predictive value of 95%. In summary, the available evidence is currently insufficient to determine the role of this variant in disease. Therefore, it has been classified as a Variant of Uncertain Significance.

Ambry Genetics
Classification: Uncertain significance for Hereditary cancer-predisposing syndrome. Last evaluated: 2024-12-12. Review status: criteria provided, single submitter. Criteria: Ambry Variant Classification Scheme 2023. Collection method: clinical testing. Allele origin: germline.
Comment: The p.I1259V variant (also known as c.3775A>G), located in coding exon 15 of the APC gene, results from an A to G substitution at nucleotide position 3775. The isoleucine at codon 1259 is replaced by valine, an amino acid with highly similar properties. This amino acid position is not well conserved in available vertebrate species. In addition, in silico predictors for this gene do not accurately predict pathogenicity. Since supporting evidence is limited at this time, the clinical significance of this alteration remains unclear.

Baylor Genetics
Classification: Uncertain significance for Familial adenomatous polyposis 1. Last evaluated: 2023-12-21. Review status: criteria provided, single submitter. Criteria: ACMG Guidelines, 2015. Collection method: clinical testing. Allele origin: unknown.

Quest Diagnostics Nichols Institute San Juan Capistrano
Classification: Uncertain significance. Last evaluated: 2023-11-09. Review status: criteria provided, single submitter. Criteria: Quest Diagnostics criteria. Collection method: clinical testing. Allele origin: unknown.
Comment: The APC c.3775A>G (p.Ile1259Val) variant has not been reported in individuals with APC-related conditions in the published literature. The frequency of this variant in the general population, 0.000033 (1/30576 chromosomes (Genome Aggregation Database)), is uninformative in the assessment of its pathogenicity. Analysis of this variant using bioinformatics tools for the prediction of the effect of amino acid changes on protein structure and function yielded predictions that this variant is benign. Based on the available information, we are unable to determine the clinical significance of this variant.

NM_000038.6(APC):c.3775A>G (p.Ile1259Val)

Gene: APC (APC regulator of Wnt signaling pathway; plus strand). Cytogenetic location: 5q22.2.
Variant type: single nucleotide variant.
Coding change: c.3775A>G on transcript NM_000038.6 (MANE Select); coding-DNA position 3775, A replaced by G.
Protein change: p.Ile1259Val; replaces isoleucine 1259 with valine.
Molecular consequence: missense variant.
Genome position (GRCh38, 1-based): chr5:112,839,369, A>G. VCF-style: chr5-112839369-A-G. GRCh37 (hg19) VCF-style: chr5-112175066-A-G.
Other names: c.3775A>G, p.Ile1259Val (NM_001127510.3, NM_001354895.2); c.3721A>G, p.Ile1241Val (NM_001127511.3); c.3829A>G, p.Ile1277Val (NM_001354896.2); c.3805A>G, p.Ile1269Val (NM_001354897.2); c.3700A>G, p.Ile1234Val (NM_001354898.2); c.3691A>G, p.Ile1231Val (NM_001354899.2); c.3652A>G, p.Ile1218Val (NM_001354900.2); c.3598A>G, p.Ile1200Val (NM_001354901.2); and 5 more; short protein forms I1259V, I1241V, I1231V, I1099V, I1200V, I1277V, I1158V, I1168V.
Identifiers: ClinVar variation 566465 (VCV000566465.18), dbSNP rs762391822, ClinGen allele CA036642.